The following is an entry in ClinVar:

ClinVar aggregate classification (germline): Uncertain significance (1 of 4 stars; one submission).

gnomAD v4.1: 56 of 1,581,480 alleles (0.0035%); highest among the groups gnomAD compares: African/African-American, 0.058%; no homozygotes.

Submission:

GeneDx
Classification: Uncertain significance. Last evaluated: 2025-05-07. Review status: criteria provided, single submitter. Criteria: GeneDx Variant Classification Process June 2021. Collection method: clinical testing. Allele origin: germline. Affected: yes.
Comment: In silico analysis supports that this missense variant has a deleterious effect on protein structure/function; Has not been previously published as pathogenic or benign to our knowledge

NM_000946.3(PRIM1):c.1018G>A (p.Asp340Asn)

Gene: PRIM1 (DNA primase subunit 1; minus strand). Cytogenetic location: 12q13.3.
Variant type: single nucleotide variant.
Coding change: c.1018G>A on transcript NM_000946.3 (MANE Select); coding-DNA position 1018, G replaced by A.
Protein change: p.Asp340Asn; replaces aspartic acid 340 with asparagine.
Molecular consequence: missense variant.
Genome position (GRCh38, 1-based): chr12:56,739,328, C>T on the plus strand (G>A on the coding strand, the complement: PRIM1 is on the minus strand). VCF-style: chr12-56739328-C-T. GRCh37 (hg19) VCF-style: chr12-57133112-C-T.
Other names: short protein forms D340N.
Identifiers: ClinVar variation 4527898 (VCV004527898.1).